The following is an entry in ClinVar:

ClinVar aggregate classification (germline): Uncertain significance (1 of 4 stars; one submission).

Conditions:
Inborn genetic diseases. Identifiers: MedGen C0950123, MeSH D030342.

Submission:

Ambry Genetics
Classification: Uncertain significance for Inborn genetic diseases. Last evaluated: 2025-11-25. Review status: criteria provided, single submitter. Criteria: Ambry Variant Classification Scheme 2023. Collection method: clinical testing. Allele origin: germline.
Comment: The p.L921M variant (also known as c.2761C>A), located in coding exon 1 of the SAMD9 gene, results from a C to A substitution at nucleotide position 2761. The leucine at codon 921 is replaced by methionine, an amino acid with highly similar properties. This amino acid position is conserved. In addition, this alteration is predicted to be tolerated by in silico analysis. Based on the available evidence, the clinical significance of this variant remains unclear.

NM_017654.4(SAMD9):c.2761C>A (p.Leu921Met)

Gene: SAMD9 (sterile alpha motif domain containing 9; minus strand). Cytogenetic location: 7q21.2.
Variant type: single nucleotide variant.
Coding change: c.2761C>A on transcript NM_017654.4 (MANE Select); coding-DNA position 2761, C replaced by A.
Protein change: p.Leu921Met; replaces leucine 921 with methionine.
Molecular consequence: missense variant.
Genome position (GRCh38, 1-based): chr7:93,103,337, G>T on the plus strand (C>A on the coding strand, the complement: SAMD9 is on the minus strand). VCF-style: chr7-93103337-G-T. GRCh37 (hg19) VCF-style: chr7-92732650-G-T.
Other names: c.2761C>A, p.Leu921Met (NM_001193307.2); short protein forms L921M.
Identifiers: ClinVar variation 4629963 (VCV004629963.1).
Genomic context (GRCh38, chr7:93,103,337, plus strand): 5'-ATTTTTCACACTGTGATAGTGAAATGGTGGTATCAGGCACATATGAATTAAGAAGAGCCA[G>T]AAAAGAAAAGAGCTTTGCTTCCTTGGTGAAAATATTCTGCCCTTTCAGGATATTCCGGAC-3'
Protein context (NP_060124.2, residues 911-931): FTKEAKLFSF[Leu921Met]ALLNSYVPDT